The following is an entry in ClinVar:

NM_021008.4(DEAF1):c.1412del (p.Lys471fs)

Genes: DEAF1 (DEAF1 transcription factor; minus strand), LOC126861109 (BRD4-independent group 4 enhancer GRCh37_chr11:673917-675116; plus strand). Cytogenetic location: 11p15.5.
Variant type: Deletion.
Coding change: c.1412del on transcript NM_021008.4 (MANE Select); coding-DNA position 1412, one base deleted (A; older notation c.1412delA).
Protein change: p.Lys471fs; shifts the reading frame from lysine 471.
Molecular consequence: frameshift variant.
Genome position (GRCh38, 1-based): chr11:674,627, T deleted on the plus strand (A on the coding strand, the reverse complement: DEAF1 is on the minus strand); the first of 2 consecutive T bases (chr11:674,627-674,628); deleting either gives the same sequence. VCF-style (leftmost placement, unchanged base first): chr11-674626-CT-C. GRCh37 (hg19) VCF-style: chr11-674626-CT-C.
Other names: c.1144delA, p.Lys382Argfs (NM_001293634.2); c.686del, p.Lys229fs (NM_001367390.1); short protein forms K471fs, K229fs, K382fs.
Identifiers: ClinVar variation 1450184 (VCV001450184.6), dbSNP rs2133365083, ClinGen allele CA2573147081.
Genomic context (GRCh38, chr11:674,626, plus strand): 5'-GGCCTGGTTTGTGGCAGCTTCTCGGTAGGTGCTGGCATGCTTGGCTTGCTCAAACAGCGT[CT>C]TCAGCTGCTGCGCTGTGTTGAGCAAGGAGTTGACCATCTCTTCTAGGTACAGCCAGCTCC-3'

ClinVar aggregate classification (germline): Pathogenic (1 of 4 stars; one submission).

Submission:

Labcorp Genetics (formerly Invitae), Labcorp
Classification: Pathogenic. Last evaluated: 2021-03-20. Review status: criteria provided, single submitter. Criteria: Invitae Variant Classification Sherloc (09022015). Collection method: clinical testing. Allele origin: germline.
Comment: This variant is not present in population databases (ExAC no frequency). For these reasons, this variant has been classified as Pathogenic. This variant has not been reported in the literature in individuals with DEAF1-related conditions. This sequence change creates a premature translational stop signal (p.Lys471Argfs*42) in the DEAF1 gene. It is expected to result in an absent or disrupted protein product. Loss-of-function variants in DEAF1 are known to be pathogenic (PMID: 30923367).

Literature cited by the submitters: PubMed 30923367.